The following is an entry in ClinVar:

NM_182914.3(SYNE2):c.4070C>A (p.Thr1357Lys)

Gene: SYNE2 (spectrin repeat containing nuclear envelope protein 2; plus strand). Cytogenetic location: 14q23.2.
Variant type: single nucleotide variant.
Coding change: c.4070C>A on transcript NM_182914.3 (MANE Select); coding-DNA position 4070, C replaced by A.
Protein change: p.Thr1357Lys; replaces threonine 1357 with lysine.
Molecular consequence: missense variant.
Genome position (GRCh38, 1-based): chr14:64,003,003, C>A. VCF-style: chr14-64003003-C-A. GRCh37 (hg19) VCF-style: chr14-64469721-C-A.
Other names: c.4070C>A, p.Thr1357Lys (NM_015180.6); short protein forms T1357K.
Identifiers: ClinVar variation 1026497 (VCV001026497.8), dbSNP rs769845003, ClinGen allele CA389998117.

ClinVar aggregate classification (germline): Uncertain significance (1 of 4 stars; one submission).

Conditions:
Emery-Dreifuss muscular dystrophy 5, autosomal dominant (EDMD5). Also called: EMERY-DREIFUSS MUSCULAR DYSTROPHY 5. Identifiers: Orphanet 261, MedGen C2751805, MONDO:0013072, OMIM 612999.

gnomAD v4.1: 5 of 1,614,060 alleles (0.00031%); highest among the groups gnomAD compares: East Asian, 0.0089%; no homozygotes.

Submission:

Labcorp Genetics (formerly Invitae), Labcorp
Classification: Uncertain significance for Emery-Dreifuss muscular dystrophy 5, autosomal dominant. Last evaluated: 2020-10-19. Review status: criteria provided, single submitter. Criteria: Invitae Variant Classification Sherloc (09022015). Collection method: clinical testing. Allele origin: germline.
Comment: This sequence change replaces threonine with lysine at codon 1357 of the SYNE2 protein (p.Thr1357Lys). The threonine residue is weakly conserved and there is a moderate physicochemical difference between threonine and lysine. This variant is not present in population databases (ExAC no frequency). This variant has not been reported in the literature in individuals with SYNE2-related conditions. Algorithms developed to predict the effect of missense changes on protein structure and function (SIFT, PolyPhen-2, Align-GVGD) all suggest that this variant is likely to be tolerated, but these predictions have not been confirmed by published functional studies and their clinical significance is uncertain. In summary, the available evidence is currently insufficient to determine the role of this variant in disease. Therefore, it has been classified as a Variant of Uncertain Significance.